The following is an entry in ClinVar:

NM_005560.6(LAMA5):c.10361G>A (p.Arg3454Gln)

Gene: LAMA5 (laminin subunit alpha 5; minus strand). Cytogenetic location: 20q13.33.
Variant type: single nucleotide variant.
Coding change: c.10361G>A on transcript NM_005560.6 (MANE Select); coding-DNA position 10361, G replaced by A.
Protein change: p.Arg3454Gln; replaces arginine 3454 with glutamine.
Molecular consequence: missense variant.
Genome position (GRCh38, 1-based): chr20:62,310,750, C>T on the plus strand (G>A on the coding strand, the complement: LAMA5 is on the minus strand). VCF-style: chr20-62310750-C-T. GRCh37 (hg19) VCF-style: chr20-60885806-C-T.
Other names: c.10361G>A (NM_005560.3, NM_005560.4); short protein forms R3454Q.
Identifiers: ClinVar variation 2050473 (VCV002050473.30), dbSNP rs192231400, ClinGen allele CA9939816.

ClinVar aggregate classification (germline): Benign/Likely benign. Review status: criteria provided, multiple submitters, no conflicts (2 of 4 stars). 4 submissions from 4 submitters: Benign (1); Likely benign (2). 1 of the submissions does not count toward it. Last evaluated 2026-05-01.

Conditions:
LAMA5-related disorder. Also called: LAMA5-Related Disorders; LAMA5-related condition.
Inborn genetic diseases. Identifiers: MedGen C0950123, MeSH D030342.

Allele frequency attached by ClinVar (database versions not stated): ExAC 0.00094; 1000 Genomes Project 0.00280; gnomAD 0.00281; ESP Exome Variant Server 0.00305; TOPMed 0.00317; 1000 Genomes Project 30x 0.00390.
gnomAD v4.1: 892 of 1,570,846 alleles (0.057%); highest among the groups gnomAD compares: African/African-American, 0.98%; 4 homozygotes.

Submissions (4):

CeGaT Center for Human Genetics Tuebingen
Classification: Likely benign. Last evaluated: 2026-05-01. Review status: criteria provided, single submitter. Criteria: CeGaT Center For Human Genetics Tuebingen Variant Classification Criteria Version 2. Collection method: clinical testing. Allele origin: germline. Affected: yes. Observed: 3 variant alleles.
Comment: LAMA5: BP4, BS2

Labcorp Genetics (formerly Invitae), Labcorp
Classification: Benign. Last evaluated: 2025-12-25. Review status: criteria provided, single submitter. Criteria: Invitae Variant Classification Sherloc (09022015). Collection method: clinical testing. Allele origin: germline.

Ambry Genetics
Classification: Likely benign for Inborn genetic diseases. Last evaluated: 2023-05-30. Review status: criteria provided, single submitter. Criteria: Ambry Variant Classification Scheme 2023. Collection method: clinical testing. Allele origin: germline.

PreventionGenetics, part of Exact Sciences
Classification: Benign for LAMA5-related condition. Last evaluated: 2022-03-02. Review status: no assertion criteria provided. Collection method: clinical testing. Allele origin: germline. Not counted in ClinVar's aggregate classification.
Comment: This variant is classified as benign based on ACMG/AMP sequence variant interpretation guidelines (Richards et al. 2015 PMID: 25741868, with internal and published modifications).